The following is an entry in ClinVar:

ClinVar aggregate classification (germline): Uncertain significance (1 of 4 stars; one submission).

Conditions:
Familial cold autoinflammatory syndrome 2 (FCAS2). Identifiers: Orphanet 247868, MedGen C2673198, MONDO:0012724, OMIM 611762.

Submission:

Labcorp Genetics (formerly Invitae), Labcorp
Classification: Uncertain significance for Familial cold autoinflammatory syndrome 2. Last evaluated: 2022-12-06. Review status: criteria provided, single submitter. Criteria: Invitae Variant Classification Sherloc (09022015). Collection method: clinical testing. Allele origin: germline.
Comment: In summary, the available evidence is currently insufficient to determine the role of this variant in disease. Therefore, it has been classified as a Variant of Uncertain Significance. This variant has not been reported in the literature in individuals affected with NLRP12-related conditions. This variant is not present in population databases (gnomAD no frequency). This sequence change creates a premature translational stop signal (p.Glu141Lysfs*7) in the NLRP12 gene. It is expected to result in an absent or disrupted protein product. However, the current clinical and genetic evidence is not sufficient to establish whether loss-of-function variants in NLRP12 cause disease.

NM_144687.4(NLRP12):c.421del (p.Glu141fs)

Gene: NLRP12 (NLR family pyrin domain containing 12; minus strand). Cytogenetic location: 19q13.42.
Variant type: Deletion.
Coding change: c.421del on transcript NM_144687.4 (MANE Select); coding-DNA position 421, one base deleted (G; older notation c.421delG).
Protein change: p.Glu141fs; shifts the reading frame from glutamic acid 141.
Molecular consequence: frameshift variant.
Genome position (GRCh38, 1-based): chr19:53,811,238, C deleted on the plus strand (G on the coding strand, the reverse complement: NLRP12 is on the minus strand); the first of 2 consecutive C bases (chr19:53,811,238-53,811,239); deleting either gives the same sequence. VCF-style (leftmost placement, unchanged base first): chr19-53811237-TC-T. GRCh37 (hg19) VCF-style: chr19-54314491-TC-T.
Other names: c.421del, p.Glu141fs (NM_001277126.2, NM_001277129.1); short protein forms E141fs.
Identifiers: ClinVar variation 2818878 (VCV002818878.3), dbSNP rs2514354010, ClinGen allele CA2739277008.